The following is an entry in ClinVar:

ClinVar aggregate classification (germline): Uncertain significance (1 of 4 stars; one submission).

gnomAD v4.1: 31 of 1,607,852 alleles (0.0019%); highest among the groups gnomAD compares: Non-Finnish European, 0.0026%; no homozygotes.

Submission:

Labcorp Genetics (formerly Invitae), Labcorp
Classification: Uncertain significance. Last evaluated: 2024-06-26. Review status: criteria provided, single submitter. Criteria: Invitae Variant Classification Sherloc (09022015). Collection method: clinical testing. Allele origin: germline.
Comment: This sequence change replaces alanine, which is neutral and non-polar, with valine, which is neutral and non-polar, at codon 184 of the CD55 protein (p.Ala184Val). This variant is not present in population databases (gnomAD no frequency). This variant has not been reported in the literature in individuals affected with CD55-related conditions. Advanced modeling of protein sequence and biophysical properties (such as structural, functional, and spatial information, amino acid conservation, physicochemical variation, residue mobility, and thermodynamic stability) performed at Invitae indicates that this missense variant is not expected to disrupt CD55 protein function with a negative predictive value of 80%. In summary, the available evidence is currently insufficient to determine the role of this variant in disease. Therefore, it has been classified as a Variant of Uncertain Significance.

NM_000574.5(CD55):c.551C>T (p.Ala184Val)

Gene: CD55 (CD55 molecule (Cromer blood group); plus strand). Cytogenetic location: 1q32.2.
Variant type: single nucleotide variant.
Coding change: c.551C>T on transcript NM_000574.5 (MANE Select); coding-DNA position 551, C replaced by T.
Protein change: p.Ala184Val; replaces alanine 184 with valine.
Molecular consequence: missense variant. On other transcripts: non-coding transcript variant (1).
Genome position (GRCh38, 1-based): chr1:207,325,694, C>T. VCF-style: chr1-207325694-C-T. GRCh37 (hg19) VCF-style: chr1-207499039-C-T.
Other names: c.551C>T, p.Ala184Val (NM_001114752.3, NM_001300902.2, NM_001300903.2 and 1 more transcripts); short protein forms A184V.
Identifiers: ClinVar variation 3657977 (VCV003657977.2).